The following is an entry in ClinVar:

NM_178857.6(RP1L1):c.448A>G (p.Thr150Ala)

Gene: RP1L1 (RP1 like 1). Cytogenetic location: 8p23.1.
Variant type: single nucleotide variant.
Coding change: c.448A>G on transcript NM_178857.6 (MANE Select); coding-DNA position 448, A replaced by G.
Protein change: p.Thr150Ala; replaces threonine 150 with alanine.
Molecular consequence: missense variant.
Genome position (GRCh38, 1-based): chr8:10,622,754, T>C on the plus strand (A>G on the coding strand, the complement: RP1L1 is on the minus strand). VCF-style: chr8-10622754-T-C. GRCh37 (hg19) VCF-style: chr8-10480264-T-C.
Other names: c.448A>G (NM_178857.5); short protein forms T150A.
Identifiers: ClinVar variation 1442837 (VCV001442837.11), dbSNP rs377360026, ClinGen allele CA4625695.
Genomic context (GRCh38, chr8:10,622,754, plus strand): 5'-GAACCACTGTCTGCTGGAGGCGAGGGTCCATGTTCTTAATCAGCAGTATCCTCCGGGGGG[T>C]TTTAAGACTCTTCCGGGAGGAGGAGGTGCCTGGGGCTTCACGCTGGCCTTCGACATCCCG-3'
Protein context (NP_849188.4, residues 140-160): GTSSSRKSLK[Thr150Ala]PRRILLIKNM

ClinVar aggregate classification (germline): Conflicting classifications of pathogenicity. Review status: criteria provided, conflicting classifications (1 of 4 stars). 2 submissions from 2 submitters: Uncertain significance (1); Likely benign (1). Last evaluated 2025-07-28.

Conditions:
Inborn genetic diseases. Identifiers: MedGen C0950123, MeSH D030342.

Allele frequency attached by ClinVar (database versions not stated): ESP Exome Variant Server 0.00008.
gnomAD v4.1: 15 of 1,612,792 alleles (0.00093%); highest among the groups gnomAD compares: Non-Finnish European, 0.0013%; no homozygotes.

Submissions (2):

Labcorp Genetics (formerly Invitae), Labcorp
Classification: Uncertain significance. Last evaluated: 2025-07-28. Review status: criteria provided, single submitter. Criteria: Invitae Variant Classification Sherloc (09022015). Collection method: clinical testing. Allele origin: germline.
Comment: This sequence change replaces threonine, which is neutral and polar, with alanine, which is neutral and non-polar, at codon 150 of the RP1L1 protein (p.Thr150Ala). This variant is present in population databases (rs377360026, gnomAD 0.003%). This variant has not been reported in the literature in individuals affected with RP1L1-related conditions. ClinVar contains an entry for this variant (Variation ID: 1442837). Invitae Evidence Modeling of protein sequence and biophysical properties (such as structural, functional, and spatial information, amino acid conservation, physicochemical variation, residue mobility, and thermodynamic stability) indicates that this missense variant is not expected to disrupt RP1L1 protein function with a negative predictive value of 80%. In summary, the available evidence is currently insufficient to determine the role of this variant in disease. Therefore, it has been classified as a Variant of Uncertain Significance.

Ambry Genetics
Classification: Likely benign for Inborn genetic diseases. Last evaluated: 2023-07-05. Review status: criteria provided, single submitter. Criteria: Ambry Variant Classification Scheme 2023. Collection method: clinical testing. Allele origin: germline.